The following is an entry in ClinVar:

NM_199420.4(POLQ):c.1004G>A (p.Cys335Tyr)

Gene: POLQ (DNA polymerase theta; minus strand). Cytogenetic location: 3q13.33.
Variant type: single nucleotide variant.
Coding change: c.1004G>A on transcript NM_199420.4 (MANE Select); coding-DNA position 1004, G replaced by A.
Protein change: p.Cys335Tyr; replaces cysteine 335 with tyrosine.
Molecular consequence: missense variant.
Genome position (GRCh38, 1-based): chr3:121,529,749, C>T on the plus strand (G>A on the coding strand, the complement: POLQ is on the minus strand). VCF-style: chr3-121529749-C-T. GRCh37 (hg19) VCF-style: chr3-121248596-C-T.
Other names: short protein forms C335Y.
Identifiers: ClinVar variation 1778554 (VCV001778554.3), dbSNP rs2048397544, ClinGen allele CA354124753.

ClinVar aggregate classification (germline): Uncertain significance (1 of 4 stars; one submission).

Allele frequency attached by ClinVar (database versions not stated): TOPMed below 0.00001; gnomAD 0.00001.

Submission:

Ambry Genetics
Classification: Uncertain significance. Last evaluated: 2023-08-04. Review status: criteria provided, single submitter. Criteria: Ambry Variant Classification Scheme 2023. Collection method: clinical testing. Allele origin: germline.
Comment: The p.C335Y variant (also known as c.1004G>A), located in coding exon 7 of the POLQ gene, results from a G to A substitution at nucleotide position 1004. The cysteine at codon 335 is replaced by tyrosine, an amino acid with highly dissimilar properties. This amino acid position is conserved. In addition, this alteration is predicted to be tolerated by in silico analysis. Since supporting evidence is limited at this time, the clinical significance of this alteration remains unclear.